The following is an entry in ClinVar:

ClinVar aggregate classification (germline): Uncertain significance. Review status: criteria provided, multiple submitters, no conflicts (2 of 4 stars). 2 submissions from 2 submitters: Uncertain significance (2). Last evaluated 2025-08-13.

Conditions:
Inborn genetic diseases. Identifiers: MedGen C0950123, MeSH D030342.
Myopathy, proximal, and ophthalmoplegia (CMYO6). Also called: CONGENITAL MYOPATHY 6 WITH OPHTHALMOPLEGIA; MYOPATHY WITH CONGENITAL JOINT CONTRACTURES, OPHTHALMOPLEGIA, AND RIMMED VACUOLES; INCLUSION BODY MYOPATHY 3, AUTOSOMAL DOMINANT. Identifiers: Orphanet 363677, Orphanet 79091, MedGen C1854106, MONDO:0011577, OMIM 605637.

Allele frequency attached by ClinVar (database versions not stated): gnomAD exomes 0.00001 and 0.00002; ExAC 0.00002; gnomAD 0.00007; TOPMed 0.00007; ESP Exome Variant Server 0.00008.
gnomAD v4.1: 23 of 1,614,062 alleles (0.0014%); highest among the groups gnomAD compares: African/African-American, 0.013%; no homozygotes.

Submissions (2):

Ambry Genetics
Classification: Uncertain significance for Inborn genetic diseases. Last evaluated: 2025-08-13. Review status: criteria provided, single submitter. Criteria: Ambry Variant Classification Scheme 2023. Collection method: clinical testing. Allele origin: germline.

Labcorp Genetics (formerly Invitae), Labcorp
Classification: Uncertain significance for Myopathy, proximal, and ophthalmoplegia. Last evaluated: 2024-07-08. Review status: criteria provided, single submitter. Criteria: Invitae Variant Classification Sherloc (09022015). Collection method: clinical testing. Allele origin: germline.
Comment: This sequence change replaces isoleucine, which is neutral and non-polar, with threonine, which is neutral and polar, at codon 25 of the MYH2 protein (p.Ile25Thr). This variant is present in population databases (rs372837852, gnomAD 0.01%). This variant has not been reported in the literature in individuals affected with MYH2-related conditions. ClinVar contains an entry for this variant (Variation ID: 1046444). An algorithm developed to predict the effect of missense changes on protein structure and function (PolyPhen-2) suggests that this variant is likely to be tolerated. In summary, the available evidence is currently insufficient to determine the role of this variant in disease. Therefore, it has been classified as a Variant of Uncertain Significance.

NM_017534.6(MYH2):c.74T>C (p.Ile25Thr)

Genes: MYH2 (myosin heavy chain 2; minus strand), MYHAS (myosin heavy chain gene cluster antisense RNA; plus strand). Cytogenetic location: 17p13.1.
Variant type: single nucleotide variant.
Coding change: c.74T>C on transcript NM_017534.6 (MANE Select); coding-DNA position 74, T replaced by C.
Protein change: p.Ile25Thr; replaces isoleucine 25 with threonine.
Molecular consequence: missense variant.
Genome position (GRCh38, 1-based): chr17:10,547,847, A>G on the plus strand (T>C on the coding strand, the complement: MYH2 is on the minus strand). VCF-style: chr17-10547847-A-G. GRCh37 (hg19) VCF-style: chr17-10451164-A-G.
Other names: c.74T>C, p.Ile25Thr (NM_001100112.2); c.74T>C (NM_017534.5); short protein forms I25T.
Identifiers: ClinVar variation 1046444 (VCV001046444.8), dbSNP rs372837852, ClinGen allele CA8391737.